The following is an entry in ClinVar:

ClinVar aggregate classification (germline): Likely pathogenic (1 of 4 stars; one submission).

Conditions:
Peutz-Jeghers syndrome (PJS). Also called: Peutz-Jeghers polyposis; Periorificial lentiginosis syndrome; POLYPOSIS, HAMARTOMATOUS INTESTINAL; POLYPS-AND-SPOTS SYNDROME. Identifiers: Orphanet 2869, MedGen C0031269, MeSH D010580, MONDO:0008280, OMIM 175200.

Submission:

Department of Clinical Genetics, Copenhagen University Hospital, Rigshospitalet
Classification: Likely pathogenic for Peutz-Jeghers syndrome. Last evaluated: 2025-01-10. Review status: criteria provided, single submitter. Criteria: ACMG Guidelines, 2015. Collection method: clinical testing. Allele origin: germline. Affected: yes.
Comment: The following ACMG criteria was used: PM1; PM2_SUP; PS4_SUP; PP3; PP4

Literature cited by the submitters: PubMed 37017260.

NM_000455.5(STK11):c.582C>G (p.Asp194Glu)

Gene: STK11 (serine/threonine kinase 11; plus strand). Cytogenetic location: 19p13.3.
Variant type: single nucleotide variant.
Coding change: c.582C>G on transcript NM_000455.5 (MANE Select); coding-DNA position 582, C replaced by G.
Protein change: p.Asp194Glu; replaces aspartic acid 194 with glutamic acid.
Molecular consequence: missense variant.
Genome position (GRCh38, 1-based): chr19:1,220,490, C>G. VCF-style: chr19-1220490-C-G. GRCh37 (hg19) VCF-style: chr19-1220489-C-G.
Other names: short protein forms D194E.
Identifiers: ClinVar variation 3600332 (VCV003600332.1), dbSNP rs786202134.